The following is an entry in ClinVar:

NC_000001.10:g.(?_74701136)_(74701914_?)dup

Genes: FPGT-TNNI3K (FPGT-TNNI3K readthrough; plus strand), TNNI3K (TNNI3 interacting kinase; plus strand). Cytogenetic location: 1p31.1.
Variant type: Duplication.
Identifiers: ClinVar variation 1450612 (VCV001450612.5).

ClinVar aggregate classification (germline): Uncertain significance (1 of 4 stars; one submission).

Submission:

Labcorp Genetics (formerly Invitae), Labcorp
Classification: Uncertain significance. Last evaluated: 2023-12-12. Review status: criteria provided, single submitter. Criteria: Invitae Variant Classification Sherloc (09022015). Collection method: clinical testing. Allele origin: germline.
Comment: This variant results in a copy number gain of the genomic region encompassing exon(s) 1-2 of the TNNI3K gene. This region includes the initiator codon of the gene. This copy number gain extends beyond the assayed region for this gene and therefore may encompass additional genes. As the precise location of this event is unknown, it may be in tandem or it may be located elsewhere in the genome. This variant has not been reported in the literature in individuals affected with TNNI3K-related conditions. In summary, the available evidence is currently insufficient to determine the role of this variant in disease. Therefore, it has been classified as a Variant of Uncertain Significance.